The following is an entry in ClinVar:

NM_001130823.3(DNMT1):c.3696C>T (p.Asp1232=)

Gene: DNMT1 (DNA methyltransferase 1; minus strand). Cytogenetic location: 19p13.2.
Variant type: single nucleotide variant.
Coding change: c.3696C>T on transcript NM_001130823.3 (MANE Select); coding-DNA position 3696, C replaced by T.
Protein change: p.Asp1232=; no amino-acid change (aspartic acid 1232 retained).
Molecular consequence: synonymous variant.
Genome position (GRCh38, 1-based): chr19:10,140,156, G>A on the plus strand (C>T on the coding strand, the complement: DNMT1 is on the minus strand). VCF-style: chr19-10140156-G-A. GRCh37 (hg19) VCF-style: chr19-10250832-G-A.
Other names: c.3696C>T (LRG_362t1, NM_001130823.2); c.3648C>T, p.Asp1216= (NM_001318730.2, NM_001379.4); c.3333C>T, p.Asp1111= (NM_001318731.2).
Identifiers: ClinVar variation 327892 (VCV000327892.17), dbSNP rs145657360, ClinGen allele CA9187688.
Genomic context (GRCh38, chr19:10,140,156, plus strand): 5'-ATTGAAGCGGTTCATGCCGCTGAAGCCCTGGCAGGGCGGCCCGCCGCACAGCATCTCCAC[G>A]TCTCCCTTCTGGGGCAGCCGCTGGCCGCGGGAGTTGGTGGTCTCCCCAGCCATGACCAGC-3'
Protein context (NP_001124295.1, residues 1222-1242): SRGQRLPQKG[Asp1232=]VEMLCGGPPC

ClinVar aggregate classification (germline): Likely benign. Review status: criteria provided, multiple submitters, no conflicts (2 of 4 stars). 4 submissions from 4 submitters: Likely benign (4). Last evaluated 2025-07-22.

Conditions:
Hereditary sensory neuropathy-deafness-dementia syndrome. Also called: NEUROPATHY, HEREDITARY SENSORY, WITH HEARING LOSS AND DEMENTIA; Hereditary Sensory and Autonomic Neuropathy Type 1E (HSAN1E); Hereditary sensory neuropathy type IE; HSN IE. Identifiers: Orphanet 456318, MedGen C3279885, MONDO:0013584, OMIM 614116.
DNMT1-related disorder. Also called: DNMT1-related condition. Identifiers: MedGen CN381527.

Allele frequency attached by ClinVar (database versions not stated): ExAC 0.00003; gnomAD exomes 0.00004; gnomAD 0.00006 and 0.00007; TOPMed 0.00012; ESP Exome Variant Server 0.00015; 1000 Genomes Project 30x 0.00016; 1000 Genomes Project 0.00020.
gnomAD v4.1: 53 of 1,613,906 alleles (0.0033%); highest among the groups gnomAD compares: Middle Eastern, 0.05%; no homozygotes.

Submissions (4):

PreventionGenetics, part of Exact Sciences
Classification: Likely benign for DNMT1-related condition. Last evaluated: 2025-07-22. Review status: criteria provided, single submitter. Criteria: ACMG Guidelines, 2015. Collection method: clinical testing. Allele origin: germline.
Comment: This variant is classified as likely benign based on ACMG/AMP sequence variant interpretation guidelines (Richards et al. 2015 PMID: 25741868, with internal and published modifications).

Labcorp Genetics (formerly Invitae), Labcorp
Classification: Likely benign for Hereditary sensory neuropathy-deafness-dementia syndrome. Last evaluated: 2025-06-12. Review status: criteria provided, single submitter. Criteria: Invitae Variant Classification Sherloc (09022015). Collection method: clinical testing. Allele origin: germline.

Blueprint Genetics
Classification: Likely benign. Last evaluated: 2024-10-17. Review status: criteria provided, single submitter. Criteria: ACMG Guidelines, 2015. Collection method: clinical testing. Allele origin: germline.

Illumina Laboratory Services, Illumina
Classification: Likely benign for Hereditary sensory neuropathy-deafness-dementia syndrome. Last evaluated: 2017-04-28. Review status: criteria provided, single submitter. Criteria: ICSL Variant Classification Criteria 13 December 2019. Collection method: clinical testing. Allele origin: germline.
Comment: This variant was observed as part of a predisposition screen in an ostensibly healthy population. A literature search was performed for the gene, cDNA change, and amino acid change (where applicable). No publications were found based on this search. Allele frequency data from public databases allowed determination this variant is unlikely to cause disease. Therefore, this variant is classified as likely benign.